The following is an entry in ClinVar:

NM_006231.4(POLE):c.2090C>G (p.Pro697Arg)

Gene: POLE (DNA polymerase epsilon, catalytic subunit; minus strand). Cytogenetic location: 12q24.33.
Variant type: single nucleotide variant.
Coding change: c.2090C>G on transcript NM_006231.4 (MANE Select); coding-DNA position 2090, C replaced by G.
Protein change: p.Pro697Arg; replaces proline 697 with arginine.
Molecular consequence: missense variant.
Genome position (GRCh38, 1-based): chr12:132,668,439, G>C on the plus strand (C>G on the coding strand, the complement: POLE is on the minus strand). VCF-style: chr12-132668439-G-C. GRCh37 (hg19) VCF-style: chr12-133245025-G-C.
Other names: short protein forms P697R.
Identifiers: ClinVar variation 240423 (VCV000240423.75), dbSNP rs36120395, ClinGen allele CA6893683.
Genomic context (GRCh38, chr12:132,668,439, plus strand): 5'-TTCGCCTGTTCCTCGCGGGACAGTTCATGAAAGGCCCGAGCTGGCCCCTCTGGGAACAAG[G>C]GGGGGAACTTCTCTGACTCCAGCTGGTGCTGGATCCGATGGTATTCGCTGCGACTGGCTG-3'
Protein context (NP_006222.2, residues 687-707): QHQLESEKFP[Pro697Arg]LFPEGPARAF

ClinVar aggregate classification (germline): Conflicting classifications of pathogenicity. Review status: criteria provided, conflicting classifications (1 of 4 stars). 21 submissions from 21 submitters: Uncertain significance (5); Benign (2); Likely benign (9). 5 of the submissions do not count toward it. Last evaluated 2026-08-01.

Conditions:
Hereditary cancer. Identifiers: MedGen C1333600.
Hereditary cancer-predisposing syndrome. Also called: Hereditary neoplastic syndrome; Hereditary Cancer Syndrome; Neoplastic Syndromes, Hereditary; Tumor predisposition. Identifiers: Orphanet 140162, MedGen C0027672, MeSH D009386, MONDO:0015356.

Allele frequency attached by ClinVar (database versions not stated): ESP Exome Variant Server 0.00108; TOPMed 0.00111.
gnomAD v4.1: 2,316 of 1,612,796 alleles (0.14%); highest among the groups gnomAD compares: Non-Finnish European, 0.17%; 7 homozygotes.

Submissions (21):

CeGaT Center for Human Genetics Tuebingen
Classification: Likely benign. Last evaluated: 2026-08-01. Review status: criteria provided, single submitter. Criteria: CeGaT Center For Human Genetics Tuebingen Variant Classification Criteria Version 2. Collection method: clinical testing. Allele origin: germline. Affected: yes. Observed: 9 variant alleles.
Comment: POLE: BP4

Labcorp Genetics (formerly Invitae), Labcorp
Classification: Likely benign. Last evaluated: 2026-02-01. Review status: criteria provided, single submitter. Criteria: Invitae Variant Classification Sherloc (09022015). Collection method: clinical testing. Allele origin: germline.

Laboratorio de I+D, Fundación Centro Médico de Asturias
Classification: Benign for Hereditary cancer-predisposing syndrome. Last evaluated: 2025-07-13. Review status: criteria provided, single submitter. Criteria: ACMG Guidelines, 2015. Collection method: clinical testing. Allele origin: germline.
Comment: BS1+BS2+BP1

Center for Genomic Medicine, Rigshospitalet, Copenhagen University Hospital
Classification: Uncertain significance. Last evaluated: 2025-03-04. Review status: criteria provided, single submitter. Criteria: ACMG Guidelines, 2015. Collection method: clinical testing. Allele origin: germline.
Comment: Classification criteria: BP4_moderate

Blueprint Genetics
Classification: Likely benign. Last evaluated: 2024-10-18. Review status: criteria provided, single submitter. Criteria: ACMG Guidelines, 2015. Collection method: clinical testing. Allele origin: germline.

Ambry Genetics
Classification: Benign for Hereditary cancer-predisposing syndrome. Last evaluated: 2024-02-27. Review status: criteria provided, single submitter. Criteria: Ambry Variant Classification Scheme 2023. Collection method: clinical testing. Allele origin: germline.

Mendelics
Classification: Likely benign for Hereditary cancer. Last evaluated: 2024-01-23. Review status: criteria provided, single submitter. Criteria: ACMG Guidelines, 2015. Collection method: clinical testing. Allele origin: unknown.

Mayo Clinic Laboratories, Mayo Clinic
Classification: Uncertain significance. Last evaluated: 2023-01-12. Review status: criteria provided, single submitter. Criteria: ACMG Guidelines, 2015. Collection method: clinical testing. Allele origin: germline. Observed: 16 variant alleles.
Comment: BP4

Genetic Services Laboratory, University of Chicago
Classification: Uncertain significance. Last evaluated: 2021-09-22. Review status: criteria provided, single submitter. Criteria: ACMG Guidelines, 2015. Collection method: clinical testing. Allele origin: germline. Affected: no.
Comment: DNA sequence analysis of the POLE gene demonstrated a sequence change, c.2090C>G, in exon 19 that results in an amino acid change, p.Pro697Arg. This sequence change has been described in the gnomAD database with a frequency of 0.15% in the European sub-population (dbSNP rs36120395). The p.Pro697Arg change has been identified in two BRCA1/BRCA2-negative individuals with a personal history of breast cancer (PMID: 31780696). The p.Pro697Arg change affects a highly conserved amino acid residue located in a domain of the POLE protein that is known to be functional. In-silico pathogenicity prediction tools (SIFT, PolyPhen2, Align GVGD, REVEL) provide contradictory results for the p.Pro697Arg substitution. Due to these contrasting evidences and the lack of functional studies, the clinical significance of the p.Pro697Arg change remains unknown at this time.

Sema4
Classification: Likely benign for Hereditary cancer-predisposing syndrome. Last evaluated: 2021-07-03. Review status: criteria provided, single submitter. Criteria: Sema4 Curation Guidelines. Collection method: curation. Allele origin: germline.

GeneDx
Classification: Likely benign. Last evaluated: 2021-03-29. Review status: criteria provided, single submitter. Criteria: GeneDx Variant Classification Process June 2021. Collection method: clinical testing. Allele origin: germline. Affected: yes.
Comment: This variant is associated with the following publications: (PMID: 28717660, 28873162, 27244218, 31780696)

ARUP Laboratories, Molecular Genetics and Genomics, ARUP Laboratories
Classification: Likely benign. Last evaluated: 2020-10-20. Review status: criteria provided, single submitter. Criteria: ARUP Molecular Germline Variant Investigation Process 2021. Collection method: clinical testing. Allele origin: germline.

Women's Health and Genetics/Laboratory Corporation of America, LabCorp
Classification: Likely benign. Last evaluated: 2020-05-26. Review status: criteria provided, single submitter. Criteria: LabCorp Variant Classification Summary - May 2015. Collection method: clinical testing. Allele origin: germline.
Comment: Variant summary: POLE c.2090C>G (p.Pro697Arg) results in a non-conservative amino acid change located in the DNA-directed DNA polymerase, family B, multifunctional domain (IPR006134) of the encoded protein sequence. Four of five in-silico tools predict a benign effect of the variant on protein function. The variant allele was found at a frequency of 0.00091 in 249370 control chromosomes in the gnomAD database, including 1 homozygotes. The observed variant frequency is approximately 64 fold of the estimated maximal expected allele frequency for a pathogenic variant in POLE causing Colorectal Cancer phenotype (1.4e-05), strongly suggesting that the variant is benign. c.2090C>G has been reported in the literature in sequencing studies of individuals affected with colorectal cancer, and breast cancer (example, Bonache_2018, Kothari_2016). These report(s) do not provide unequivocal conclusions about association of the variant with Colorectal Cancer. At-least one co-occurrence with another pathogenic variant has been observed at our laboratory ( BRCA2 c.4271delC , p.Ser1424LeufsX24), providing supporting evidence for a benign role. To our knowledge, no experimental evidence demonstrating an impact on protein function has been reported. Nine clinical diagnostic laboratories have submitted clinical-significance assessments for this variant to ClinVar after 2014 without evidence for independent evaluation. Multiple laboratories reported the variant with conflicting assessments (likely benign, n=2; VUS, n=7). Based on the evidence outlined above, the variant was classified as likely benign.

PreventionGenetics, part of Exact Sciences
Classification: Likely benign. Last evaluated: 2017-05-04. Review status: criteria provided, single submitter. Criteria: ACMG Guidelines, 2015. Collection method: clinical testing. Allele origin: germline.

Quest Diagnostics Nichols Institute San Juan Capistrano
Classification: Uncertain significance. Last evaluated: 2017-01-20. Review status: criteria provided, single submitter. Criteria: Quest Diagnostics criteria. Collection method: clinical testing. Allele origin: germline.

Laboratory for Molecular Medicine, Mass General Brigham Personalized Medicine
Classification: Uncertain significance. Last evaluated: 2016-10-13. Review status: criteria provided, single submitter. Criteria: LMM Criteria. Collection method: clinical testing. Allele origin: germline.
Comment: Variant identified in a genome or exome case(s) and assessed due to predicted null impact of the variant or pathogenic assertions in the literature or databases. Disclaimer: This variant has not undergone full assessment. The following are preliminary notes: Variant not in HGMD, conflicting classifications in ClinVar. MaxMAF = 0.13%. AA not conserved but Arg not in any species.

True Health Diagnostics
Classification: Uncertain significance for Hereditary cancer-predisposing syndrome. Last evaluated: 2017-11-30. Review status: no assertion criteria provided. Collection method: clinical testing. Allele origin: germline. Not counted in ClinVar's aggregate classification.

Clinical Genetics DNA and cytogenetics Diagnostics Lab, Erasmus MC, Erasmus Medical Center
Classification: Likely benign. Review status: no assertion criteria provided. Collection method: clinical testing. Allele origin: germline. Affected: yes. Study: VKGL Data-share Consensus. Not counted in ClinVar's aggregate classification.

Clinical Genetics, Academic Medical Center
Classification: Likely benign. Review status: no assertion criteria provided. Collection method: clinical testing. Allele origin: germline. Affected: yes. Study: VKGL Data-share Consensus. Not counted in ClinVar's aggregate classification.

Department of Pathology and Laboratory Medicine, Sinai Health System
Classification: Uncertain significance. Review status: no assertion criteria provided. Collection method: clinical testing. Allele origin: unknown. Affected: yes. Observed: 1 variant allele. Study: The Canadian Open Genetics Repository (COGR). Not counted in ClinVar's aggregate classification.
Comment: The POLE p.Pro697Arg variant was identified in 1 of 72 proband chromosomes (frequency: 0.01) from individuals or families with personal or familial history of cancer (Cabanillas 2017). The variant was also identified in dbSNP (ID: rs36120395) as "With Uncertain significance allele", ClinVar (classified as likely benign by Invitae and PreventionGenetics; as uncertain significance by GeneDx, Ambry Genetics and four other submitters). The variant was identified in control databases in 257 of 275186 chromosomes (1 homozygous) at a frequency of 0.0009 increasing the likelihood this could be a low frequency benign variant (Genome Aggregation Database Feb 27, 2017). The variant was observed in the following populations: African in 10 of 23976 chromosomes (freq: 0.0004), Other in 8 of 6408 chromosomes (freq: 0.001), Latino in 39 of 34078 chromosomes (freq: 0.001), European in 190 of 125844 chromosomes (freq: 0.002), Finnish in 8 of 25670 chromosomes (freq: 0.0003), and South Asian in 2 of 30444 chromosomes (freq: 0.00007), while the variant was not observed in the Ashkenazi Jewish, and East Asian, populations. The p.Pro697 residue is conserved in mammals and computational analyses (PolyPhen-2, SIFT, AlignGVGD, BLOSUM, MutationTaster) provide inconsistent predictions regarding the impact to the protein; this information is not very predictive of pathogenicity. The variant occurs outside of the splicing consensus sequence and in silico or computational prediction software programs (SpliceSiteFinder, MaxEntScan, NNSPLICE, GeneSplicer) do not predict a difference in splicing. In summary, based on the above information the clinical significance of this variant cannot be determined with certainty at this time. This variant is classified as a variant of uncertain significance.

Genome Diagnostics Laboratory, University Medical Center Utrecht
Classification: Likely benign. Review status: no assertion criteria provided. Collection method: clinical testing. Allele origin: germline. Affected: yes. Study: VKGL Data-share Consensus. Not counted in ClinVar's aggregate classification.

Literature cited by the submitters: PubMed 31780696 (cited by Center for Genomic Medicine, Rigshospitalet, Copenhagen University Hospital and Mayo Clinic Laboratories, Mayo Clinic); PubMed 35264596 (cited by Mayo Clinic Laboratories, Mayo Clinic); PubMed 27244218 (cited by Women's Health and Genetics/Laboratory Corporation of America, LabCorp); PubMed 30306255 (cited by Women's Health and Genetics/Laboratory Corporation of America, LabCorp); PubMed 20951805 (cited by Quest Diagnostics Nichols Institute San Juan Capistrano).